The following is an entry in ClinVar:

ClinVar aggregate classification (germline): Uncertain significance (1 of 4 stars; one submission).

Submission:

Ambry Genetics
Classification: Uncertain significance. Last evaluated: 2025-05-22. Review status: criteria provided, single submitter. Criteria: Ambry Variant Classification Scheme 2023. Collection method: clinical testing. Allele origin: germline.
Comment: The p.W101S variant (also known as c.302G>C), located in coding exon 2 of the GEN1 gene, results from a G to C substitution at nucleotide position 302. The tryptophan at codon 101 is replaced by serine, an amino acid with highly dissimilar properties. This amino acid position is conserved. In addition, this alteration is predicted to be tolerated by in silico analysis. Based on the available evidence, the clinical significance of this variant remains unclear.

NM_001130009.3(GEN1):c.302G>C (p.Trp101Ser)

Gene: GEN1 (GEN1 Holliday junction 5' flap endonuclease; plus strand). Cytogenetic location: 2p24.2.
Variant type: single nucleotide variant.
Coding change: c.302G>C on transcript NM_001130009.3 (MANE Select); coding-DNA position 302, G replaced by C.
Protein change: p.Trp101Ser; replaces tryptophan 101 with serine.
Molecular consequence: missense variant.
Genome position (GRCh38, 1-based): chr2:17,761,536, G>C. VCF-style: chr2-17761536-G-C. GRCh37 (hg19) VCF-style: chr2-17942803-G-C.
Other names: c.302G>C, p.Trp101Ser (NM_182625.5); short protein forms W101S.
Identifiers: ClinVar variation 4029312 (VCV004029312.1).
Genomic context (GRCh38, chr2:17,761,536, plus strand): 5'-TGAAAGCTGATGTCATAAGCAAGAGGAATCAGTCTCGGTATGGGTCTTCTGGAAAATCGT[G>C]GTCTCAGAAAACAGGGAGATCACATTTTAAATCAGTCTTAAGAGAGGTGAGCATTCAGAT-3'
Protein context (NP_001123481.3, residues 91-111): QSRYGSSGKS[Trp101Ser]SQKTGRSHFK